The following is an entry in ClinVar:

NM_001184.4(ATR):c.2703A>C (p.Ala901=)

Gene: ATR (ATR checkpoint kinase; minus strand). Cytogenetic location: 3q23.
Variant type: single nucleotide variant.
Coding change: c.2703A>C on transcript NM_001184.4 (MANE Select); coding-DNA position 2703, A replaced by C.
Protein change: p.Ala901=; no amino-acid change (alanine 901 retained).
Molecular consequence: synonymous variant.
Genome position (GRCh38, 1-based): chr3:142,553,329, T>G on the plus strand (A>C on the coding strand, the complement: ATR is on the minus strand). VCF-style: chr3-142553329-T-G. GRCh37 (hg19) VCF-style: chr3-142272171-T-G.
Other names: c.2511A>C, p.Ala837= (NM_001354579.2).
Identifiers: ClinVar variation 1079532 (VCV001079532.13), dbSNP rs201052932, ClinGen allele CA2650289.

ClinVar aggregate classification (germline): Likely benign. Review status: criteria provided, multiple submitters, no conflicts (2 of 4 stars). 5 submissions from 4 submitters: Likely benign (5). Last evaluated 2026-06-01.

Conditions:
Inborn genetic diseases. Identifiers: MedGen C0950123, MeSH D030342.
Familial cutaneous telangiectasia and oropharyngeal predisposition cancer syndrome. Identifiers: Orphanet 313846, MedGen C3281203, MONDO:0013806, OMIM 614564.
Seckel syndrome 1 (SCKL1). Also called: MICROCEPHALIC PRIMORDIAL DWARFISM I. Identifiers: Orphanet 808, MedGen C4551474, MONDO:0008869, OMIM 210600.

Allele frequency attached by ClinVar (database versions not stated): gnomAD exomes 0.00002; ExAC 0.00003; TOPMed 0.00004; ESP Exome Variant Server 0.00008.
gnomAD v4.1: 53 of 1,613,914 alleles (0.0033%); highest among the groups gnomAD compares: Non-Finnish European, 0.0042%; no homozygotes.

Submissions (5):

CeGaT Center for Human Genetics Tuebingen
Classification: Likely benign. Last evaluated: 2026-06-01. Review status: criteria provided, single submitter. Criteria: CeGaT Center For Human Genetics Tuebingen Variant Classification Criteria Version 2. Collection method: clinical testing. Allele origin: germline. Affected: yes. Observed: 1 variant allele.
Comment: ATR: BP4, BP7

Labcorp Genetics (formerly Invitae), Labcorp
Classification: Likely benign. Last evaluated: 2025-10-27. Review status: criteria provided, single submitter. Criteria: Invitae Variant Classification Sherloc (09022015). Collection method: clinical testing. Allele origin: germline.

Genome-Nilou Lab
Classification: Likely benign for Seckel syndrome 1. Last evaluated: 2023-02-08. Review status: criteria provided, single submitter. Criteria: ACMG Guidelines, 2015. Collection method: clinical testing. Allele origin: germline.

Genome-Nilou Lab
Classification: Likely benign for Familial cutaneous telangiectasia and oropharyngeal predisposition cancer syndrome. Last evaluated: 2023-02-08. Review status: criteria provided, single submitter. Criteria: ACMG Guidelines, 2015. Collection method: clinical testing. Allele origin: germline.

Ambry Genetics
Classification: Likely benign for Inborn genetic diseases. Last evaluated: 2022-02-15. Review status: criteria provided, single submitter. Criteria: Ambry Variant Classification Scheme 2023. Collection method: clinical testing. Allele origin: germline.